The following is an entry in ClinVar:

NM_003846.3(PEX11B):c.466C>T (p.Arg156Ter)

Gene: PEX11B (peroxisomal biogenesis factor 11 beta; minus strand). Cytogenetic location: 1q21.1.
Variant type: single nucleotide variant.
Coding change: c.466C>T on transcript NM_003846.3 (MANE Select); coding-DNA position 466, C replaced by T.
Protein change: p.Arg156Ter; replaces arginine 156 with a stop codon.
Molecular consequence: nonsense. On other transcripts: non-coding transcript variant (3).
Genome position (GRCh38, 1-based): chr1:145,912,475, G>A on the plus strand (C>T on the coding strand, the complement: PEX11B is on the minus strand). VCF-style: chr1-145912475-G-A. GRCh37 (hg19) VCF-style: chr1-145522605-C-T.
Other names: c.424C>T, p.Arg142Ter (NM_001184795.1); short protein forms R156*, R142*.
Identifiers: ClinVar variation 423557 (VCV000423557.2), dbSNP rs199515730, ClinGen allele CA1055611.

ClinVar aggregate classification (germline): Likely pathogenic (1 of 4 stars; one submission).

Allele frequency attached by ClinVar (database versions not stated): ExAC 0.00001; gnomAD 0.00001; gnomAD exomes 0.00001; 1000 Genomes Project 0.00020; 1000 Genomes Project 30x 0.00031.

Submission:

GeneDx
Classification: Likely pathogenic. Last evaluated: 2018-05-04. Review status: criteria provided, single submitter. Criteria: GeneDx Variant Classification (06012015). Collection method: clinical testing. Allele origin: germline. Affected: yes.
Comment: The R156X variant in the PEX11B gene has not been reported previously as a pathogenic variant nor as a benign variant, to our knowledge. This variant is predicted to cause loss of normal protein function through protein truncation, as the last 104 amino acids of the protein are lost. The R156X variant is not observed at a significant frequency in large population cohorts (Lek et al., 2016; 1000 Genomes Consortium et al., 2015; Exome Variant Server). We interpret R156X as a likely pathogenic variant.